The following is an entry in ClinVar:

ClinVar aggregate classification (germline): Conflicting classifications of pathogenicity. Review status: criteria provided, conflicting classifications (1 of 4 stars). 12 submissions from 12 submitters: Uncertain significance (1); Benign (5); Likely benign (5). 1 of the submissions does not count toward it. Last evaluated 2026-07-01.

Conditions:
PKP2-related disorder. Also called: PKP2-related condition.
Cardiovascular phenotype. Identifiers: MedGen CN230736.
Cardiomyopathy (CMYO). Also called: Cardiomyopathies. Identifiers: Orphanet 167848, MedGen C0878544, MONDO:0004994, HP:0001638. Inheritance: Various modes of inheritance.
Primary dilated cardiomyopathy (DCM). Also called: Dilated Cardiomyopathy. Identifiers: Orphanet 217604, MedGen C0007193, MeSH D002311, MONDO:0005021, HP:0001644. Inheritance: Various modes of inheritance.
Arrhythmogenic right ventricular dysplasia 9 (ARVD9). Also called: Arrhythmogenic Right Ventricular Dysplasia/Cardiomyopathy 9; ARRHYTHMOGENIC RIGHT VENTRICULAR DYSPLASIA, FAMILIAL, 9. Identifiers: MedGen C1836906, MONDO:0012180, OMIM 609040.

Allele frequency attached by ClinVar (database versions not stated): TOPMed 0.00010; gnomAD exomes 0.00062 and 0.00110; ExAC 0.00130; 1000 Genomes Project 0.00160; gnomAD 0.00005 and 0.00037; 1000 Genomes Project 30x 0.00141.
gnomAD v4.1: 959 of 1,611,984 alleles (0.059%); highest among the groups gnomAD compares: South Asian, 0.95%; 13 homozygotes.

Submissions (12):

CeGaT Center for Human Genetics Tuebingen
Classification: Benign. Last evaluated: 2026-07-01. Review status: criteria provided, single submitter. Criteria: CeGaT Center For Human Genetics Tuebingen Variant Classification Criteria Version 2. Collection method: clinical testing. Allele origin: germline. Affected: yes. Observed: 6 variant alleles.
Comment: PKP2: BS1, BS2

Labcorp Genetics (formerly Invitae), Labcorp
Classification: Benign for Arrhythmogenic right ventricular dysplasia 9. Last evaluated: 2026-01-26. Review status: criteria provided, single submitter. Criteria: Invitae Variant Classification Sherloc (09022015). Collection method: clinical testing. Allele origin: germline.

Blueprint Genetics
Classification: Likely benign. Last evaluated: 2024-11-18. Review status: criteria provided, single submitter. Criteria: ACMG Guidelines, 2015. Collection method: clinical testing. Allele origin: germline.

Laboratory for Molecular Medicine, Mass General Brigham Personalized Medicine
Classification: Benign. Last evaluated: 2021-12-07. Review status: criteria provided, single submitter. Criteria: ACMG Guidelines, 2015. Collection method: clinical testing. Allele origin: germline.
Comment: The p.Ile458Val variant in PKP2 classified as benign because it not been previously reported in individuals with dilated cardiomyopathy but has been identified in 0.872% (267/30616) of South Asian chromosomes by gnomAD, including 5 homozygotes. ACMG/AMP Criteria applied: BA1.

Women's Health and Genetics/Laboratory Corporation of America, LabCorp
Classification: Likely benign. Last evaluated: 2019-11-25. Review status: criteria provided, single submitter. Criteria: LabCorp Variant Classification Summary - May 2015. Collection method: clinical testing. Allele origin: germline.
Comment: Variant summary: PKP2 c.1372A>G (p.Ile458Val) results in a conservative amino acid change in the encoded protein sequence. Three of five in-silico tools predict a benign effect of the variant on protein function. The variant allele was found at a frequency of 0.0011 in 250900 control chromosomes, predominantly at a frequency of 0.0087 within the South Asian subpopulation in the gnomAD database, including 5 homozygotes. The observed variant frequency within South Asian control individuals in the gnomAD database is approximately 8-fold over the estimated maximal expected allele frequency for a pathogenic variant in PKP2 causing Cardiomyopathy phenotype (0.0011), strongly suggesting that the variant is a benign polymorphism found primarily in populations of South Asian origin. c.1372A>G has been reported in the literature in individuals affected with Cardiomyopathy (Di Resta_2015, Lopes_2013, Pugh_2014). These reports do not provide unequivocal conclusions about association of the variant with Cardiomyopathy. To our knowledge, no experimental evidence demonstrating an impact on protein function has been reported. Five ClinVar submissions (evlauation after 2014) cite the variant four times a benign and once as likely benign. Based on the evidence outlined above, the variant was classified as likely benign.

Illumina Laboratory Services, Illumina
Classification: Likely benign for Arrhythmogenic right ventricular dysplasia 9. Last evaluated: 2019-05-08. Review status: criteria provided, single submitter. Criteria: ICSL Variant Classification Criteria 13 December 2019. Collection method: clinical testing. Allele origin: germline.
Comment: This variant was observed as part of a predisposition screen in an ostensibly healthy population. A literature search was performed for the gene, cDNA change, and amino acid change (where applicable). Publications were found based on this search. The evidence from the literature, in combination with allele frequency data from public databases where available, was sufficient to determine this variant is unlikely to cause disease. Therefore, this variant is classified as likely benign.

Color Diagnostics, LLC DBA Color Health
Classification: Likely benign for Cardiomyopathy. Last evaluated: 2018-03-13. Review status: criteria provided, single submitter. Criteria: ACMG Guidelines, 2015. Collection method: clinical testing. Allele origin: germline.

Ambry Genetics
Classification: Benign for Cardiovascular phenotype. Last evaluated: 2017-08-08. Review status: criteria provided, single submitter. Criteria: Ambry Variant Classification Scheme 2023. Collection method: clinical testing. Allele origin: germline.

GeneDx
Classification: Benign. Last evaluated: 2017-01-19. Review status: criteria provided, single submitter. Criteria: GeneDx Variant Classification (06012015). Collection method: clinical testing. Allele origin: germline. Affected: yes.
Comment: This variant is considered likely benign or benign based on one or more of the following criteria: it is a conservative change, it occurs at a poorly conserved position in the protein, it is predicted to be benign by multiple in silico algorithms, and/or has population frequency not consistent with disease.

Biesecker Lab/Clinical Genomics Section, National Institutes of Health
Classification: Uncertain significance. Last evaluated: 2013-06-24. Review status: criteria provided, single submitter. Criteria: Ng et al. (Circ Cardiovasc Genet. 2013). Collection method: research. Allele origin: unknown. Observed: 1 variant allele. Study: ClinSeq.
Comment: The study set was not selected for affection status in relation to any cancer. Pathogenicity categories were based on literature curation. See Pubmed ID:23861362 for details.

Medical sequencing

Genetics and Genomics Program, Sidra Medicine
Classification: Likely benign for Primary dilated cardiomyopathy. Review status: criteria provided, single submitter. Criteria: ACMG Guidelines, 2015. Collection method: research. Allele origin: unknown. Affected: yes. Observed: 1 variant allele.

PreventionGenetics, part of Exact Sciences
Classification: Likely benign for PKP2-related condition. Last evaluated: 2019-05-27. Review status: no assertion criteria provided. Collection method: clinical testing. Allele origin: germline. Not counted in ClinVar's aggregate classification.
Comment: This variant is classified as likely benign based on ACMG/AMP sequence variant interpretation guidelines (Richards et al. 2015 PMID: 25741868, with internal and published modifications).

Literature cited by the submitters: PubMed 23396983 (cited by Women's Health and Genetics/Laboratory Corporation of America, LabCorp); PubMed 24503780 (cited by Women's Health and Genetics/Laboratory Corporation of America, LabCorp and Illumina Laboratory Services, Illumina); PubMed 26220970 (cited by Women's Health and Genetics/Laboratory Corporation of America, LabCorp).

NM_001005242.3(PKP2):c.1372A>G (p.Ile458Val)

Gene: PKP2 (plakophilin 2; minus strand). Cytogenetic location: 12p11.21.
Variant type: single nucleotide variant.
Coding change: c.1372A>G on transcript NM_001005242.3 (MANE Select); coding-DNA position 1372, A replaced by G.
Protein change: p.Ile458Val; replaces isoleucine 458 with valine.
Molecular consequence: missense variant.
Genome position (GRCh38, 1-based): chr12:32,850,772, T>C on the plus strand (A>G on the coding strand, the complement: PKP2 is on the minus strand). VCF-style: chr12-32850772-T-C. GRCh37 (hg19) VCF-style: chr12-33003706-T-C.
Other names: p.I458V:ATA>GTA; c.1372A>G, p.Ile458Val (NM_004572.4); short protein forms I458V.
Identifiers: ClinVar variation 45021 (VCV000045021.62), dbSNP rs199571473, ClinGen allele CA010996.